The following is an entry in ClinVar:

NM_014396.4(VPS41):c.1246C>T (p.Arg416Cys)

Gene: VPS41 (VPS41 subunit of HOPS complex; minus strand). Cytogenetic location: 7p14.1.
Variant type: single nucleotide variant.
Coding change: c.1246C>T on transcript NM_014396.4 (MANE Select); coding-DNA position 1246, C replaced by T.
Protein change: p.Arg416Cys; replaces arginine 416 with cysteine.
Molecular consequence: missense variant.
Genome position (GRCh38, 1-based): chr7:38,767,538, G>A on the plus strand (C>T on the coding strand, the complement: VPS41 is on the minus strand). VCF-style: chr7-38767538-G-A. GRCh37 (hg19) VCF-style: chr7-38807138-G-A.
Other names: c.1171C>T, p.Arg391Cys (NM_080631.4); short protein forms R391C, R416C.
Identifiers: ClinVar variation 2499038 (VCV002499038.28), dbSNP rs139485137, ClinGen allele CA4226848.

ClinVar aggregate classification (germline): Benign (1 of 4 stars; one submission).

Allele frequency attached by ClinVar (database versions not stated): 1000 Genomes Project 30x 0.00109; 1000 Genomes Project 0.00120; ESP Exome Variant Server 0.00300.
gnomAD v4.1: 6,023 of 1,596,732 alleles (0.38%); highest among the groups gnomAD compares: Non-Finnish European, 0.41%; 18 homozygotes.

Submission:

CeGaT Center for Human Genetics Tuebingen
Classification: Benign. Last evaluated: 2026-04-01. Review status: criteria provided, single submitter. Criteria: CeGaT Center For Human Genetics Tuebingen Variant Classification Criteria Version 2. Collection method: clinical testing. Allele origin: germline. Affected: yes. Observed: 8 variant alleles.
Comment: VPS41: BS1, BS2